The following is an entry in ClinVar:

ClinVar aggregate classification (germline): Likely benign (1 of 4 stars; one submission).

Conditions:
Malignant hyperthermia, susceptibility to, 5 (MHS5). Also called: CACNA1S-Related Malignant Hyperthermia Susceptibility. Identifiers: Orphanet 423, MedGen C1866077, MONDO:0011163, OMIM 601887.

Allele frequency attached by ClinVar (database versions not stated): gnomAD exomes below 0.00001.
gnomAD v4.1: 1 of 1,613,930 alleles (0.000062%); highest among the groups gnomAD compares: Non-Finnish European, 0.000085%; no homozygotes.

Submission:

All of Us Research Program, National Institutes of Health
Classification: Likely benign for Malignant hyperthermia, susceptibility to, 5. Last evaluated: 2023-04-10. Review status: criteria provided, single submitter. Criteria: ACMG Guidelines, 2015. Collection method: clinical testing. Allele origin: germline. Inheritance: Autosomal dominant inheritance. Observed: 2 variant alleles, 2 heterozygotes.
Comment: This study involves interpretation of variants in research participants for the purpose of population health screening. Participant phenotype was not available at the time of variant classification. Additional details can be found in publication PMID: 35346344, PMCID: PMC8962531

NM_000069.3(CACNA1S):c.3885G>T (p.Val1295=)

Gene: CACNA1S (calcium voltage-gated channel subunit alpha1 S; minus strand). Cytogenetic location: 1q32.1.
Variant type: single nucleotide variant.
Coding change: c.3885G>T on transcript NM_000069.3 (MANE Select); coding-DNA position 3885, G replaced by T.
Protein change: p.Val1295=; no amino-acid change (valine 1295 retained).
Molecular consequence: synonymous variant.
Genome position (GRCh38, 1-based): chr1:201,052,625, C>A on the plus strand (G>T on the coding strand, the complement: CACNA1S is on the minus strand). VCF-style: chr1-201052625-C-A. GRCh37 (hg19) VCF-style: chr1-201021753-C-A.
Identifiers: ClinVar variation 3070343 (VCV003070343.1), dbSNP rs1660694623, ClinGen allele CA422719428.